The following is an entry in ClinVar:

ClinVar aggregate classification (germline): Likely benign (1 of 4 stars; one submission).

Allele frequency attached by ClinVar (database versions not stated): gnomAD 0.00001; gnomAD exomes 0.00001; ExAC 0.00002; TOPMed 0.00003.
gnomAD v4.1: 14 of 1,613,612 alleles (0.00087%); highest among the groups gnomAD compares: African/African-American, 0.004%; no homozygotes.

Submission:

CeGaT Center for Human Genetics Tuebingen
Classification: Likely benign. Last evaluated: 2022-07-01. Review status: criteria provided, single submitter. Criteria: CeGaT Center For Human Genetics Tuebingen Variant Classification Criteria Version 2. Collection method: clinical testing. Allele origin: germline. Affected: yes. Observed: 1 variant allele.
Comment: ANKRD11: BP4, BP7

NM_013275.6(ANKRD11):c.321C>T (p.Ala107=)

Gene: ANKRD11 (ankyrin repeat domain 11; minus strand). Cytogenetic location: 16q24.3.
Variant type: single nucleotide variant.
Coding change: c.321C>T on transcript NM_013275.6 (MANE Select); coding-DNA position 321, C replaced by T.
Protein change: p.Ala107=; no amino-acid change (alanine 107 retained).
Molecular consequence: synonymous variant. On other transcripts: non-coding transcript variant (1).
Genome position (GRCh38, 1-based): chr16:89,291,089, G>A on the plus strand (C>T on the coding strand, the complement: ANKRD11 is on the minus strand). VCF-style: chr16-89291089-G-A. GRCh37 (hg19) VCF-style: chr16-89357497-G-A.
Other names: c.321C>T, p.Ala107= (NM_001256182.2, NM_001256183.2).
Identifiers: ClinVar variation 2647099 (VCV002647099.24), dbSNP rs749782567, ClinGen allele CA8243121.